The following is an entry in ClinVar:

NM_001365999.1(SZT2):c.1474C>T (p.Arg492Cys)

Gene: SZT2 (SZT2 subunit of KICSTOR complex; plus strand). Cytogenetic location: 1p34.2.
Variant type: single nucleotide variant.
Coding change: c.1474C>T on transcript NM_001365999.1 (MANE Select); coding-DNA position 1474, C replaced by T.
Protein change: p.Arg492Cys; replaces arginine 492 with cysteine.
Molecular consequence: missense variant.
Genome position (GRCh38, 1-based): chr1:43,420,961, C>T. VCF-style: chr1-43420961-C-T. GRCh37 (hg19) VCF-style: chr1-43886632-C-T.
Other names: c.1474C>T, p.Arg492Cys (NM_015284.4); short protein forms R492C.
Identifiers: ClinVar variation 2154745 (VCV002154745.3), dbSNP rs752132319, ClinGen allele CA808420.

ClinVar aggregate classification (germline): Uncertain significance (1 of 4 stars; one submission).

Allele frequency attached by ClinVar (database versions not stated): gnomAD exomes below 0.00001; ExAC 0.00001; TOPMed 0.00001; gnomAD 0.00002.
gnomAD v4.1: 9 of 1,598,308 alleles (0.00056%); highest among the groups gnomAD compares: Non-Finnish European, 0.00059%; no homozygotes.

Submission:

Labcorp Genetics (formerly Invitae), Labcorp
Classification: Uncertain significance. Last evaluated: 2024-05-29. Review status: criteria provided, single submitter. Criteria: Invitae Variant Classification Sherloc (09022015). Collection method: clinical testing. Allele origin: germline.
Comment: This sequence change replaces arginine, which is basic and polar, with cysteine, which is neutral and slightly polar, at codon 492 of the SZT2 protein (p.Arg492Cys). This variant is present in population databases (rs752132319, gnomAD 0.002%). This variant has not been reported in the literature in individuals affected with SZT2-related conditions. ClinVar contains an entry for this variant (Variation ID: 2154745). Advanced modeling of protein sequence and biophysical properties (such as structural, functional, and spatial information, amino acid conservation, physicochemical variation, residue mobility, and thermodynamic stability) performed at Invitae indicates that this missense variant is not expected to disrupt SZT2 protein function with a negative predictive value of 80%. In summary, the available evidence is currently insufficient to determine the role of this variant in disease. Therefore, it has been classified as a Variant of Uncertain Significance.